The following is an entry in ClinVar:

ClinVar aggregate classification (germline): Uncertain significance (1 of 4 stars; one submission).

Conditions:
Autosomal recessive limb-girdle muscular dystrophy type 2W (MDRCMTT). Also called: Muscular dystrophy, limb-girdle, type 2W; Muscular dystrophy, autosomal recessive, with cardiomyopathy and triangular tongue. Identifiers: MedGen C4225192, MONDO:0014788, OMIM 616827.

Allele frequency attached by ClinVar (database versions not stated): gnomAD exomes below 0.00001; TOPMed below 0.00001.
gnomAD v4.1: 2 of 1,614,076 alleles (0.00012%); highest among the groups gnomAD compares: Non-Finnish European, 0.000085%; no homozygotes.

Submission:

Labcorp Genetics (formerly Invitae), Labcorp
Classification: Uncertain significance for Autosomal recessive limb-girdle muscular dystrophy type 2W. Last evaluated: 2022-08-22. Review status: criteria provided, single submitter. Criteria: Invitae Variant Classification Sherloc (09022015). Collection method: clinical testing. Allele origin: germline.
Comment: In summary, the available evidence is currently insufficient to determine the role of this variant in disease. Therefore, it has been classified as a Variant of Uncertain Significance. Variants that disrupt the consensus splice site are a relatively common cause of aberrant splicing (PMID: 17576681, 9536098). Algorithms developed to predict the effect of sequence changes on RNA splicing suggest that this variant may disrupt the consensus splice site. This variant has not been reported in the literature in individuals affected with LIMS2-related conditions. This variant is present in population databases (no rsID available, gnomAD 0.003%). This sequence change falls in intron 4 of the LIMS2 gene. It does not directly change the encoded amino acid sequence of the LIMS2 protein. It affects a nucleotide within the consensus splice site.

Literature cited by the submitters: PubMed 17576681; PubMed 9536098.

NM_001161403.3(LIMS2):c.238+4A>G

Gene: LIMS2 (LIM zinc finger domain containing 2; minus strand). Cytogenetic location: 2q14.3.
Variant type: single nucleotide variant.
Coding change: c.238+4A>G on transcript NM_001161403.3 (MANE Select); 4 bases into the intron after coding-DNA position 238, A replaced by G.
Molecular consequence: intron variant.
Genome position (GRCh38, 1-based): chr2:127,654,826, T>C on the plus strand (A>G on the coding strand, the complement: LIMS2 is on the minus strand). VCF-style: chr2-127654826-T-C. GRCh37 (hg19) VCF-style: chr2-128412400-T-C.
Other names: c.223+4A>G (NM_001161404.2); c.304+4A>G (NM_001136037.4); c.310+4A>G (NM_017980.5).
Identifiers: ClinVar variation 2169890 (VCV002169890.4), dbSNP rs1358031819, ClinGen allele CA535663285.